The following is an entry in ClinVar:

NM_000238.4(KCNH2):c.1231G>T (p.Asp411Tyr)

Gene: KCNH2 (potassium voltage-gated channel subfamily H member 2; minus strand). Cytogenetic location: 7q36.1.
Variant type: single nucleotide variant.
Coding change: c.1231G>T on transcript NM_000238.4 (MANE Select); coding-DNA position 1231, G replaced by T.
Protein change: p.Asp411Tyr; replaces aspartic acid 411 with tyrosine.
Molecular consequence: missense variant.
Genome position (GRCh38, 1-based): chr7:150,952,751, C>A on the plus strand (G>T on the coding strand, the complement: KCNH2 is on the minus strand). VCF-style: chr7-150952751-C-A. GRCh37 (hg19) VCF-style: chr7-150649839-C-A.
Other names: c.211G>T, p.Asp71Tyr (NM_001204798.2, NM_172057.3); c.943G>T, p.Asp315Tyr (NM_001406753.1, NM_001406756.1); c.1054G>T, p.Asp352Tyr (NM_001406755.1); c.931G>T, p.Asp311Tyr (NM_001406757.1); c.1231G>T, p.Asp411Tyr (NM_172056.3); short protein forms D315Y, D311Y, D352Y, D411Y, D71Y.
Identifiers: ClinVar variation 2136629 (VCV002136629.4), dbSNP rs1801230141, ClinGen allele CA369860164.

ClinVar aggregate classification (germline): Uncertain significance (1 of 4 stars; one submission).

Conditions:
Long QT syndrome (LQTS). Identifiers: MedGen C0023976, MeSH D008133, MONDO:0002442. Disease mechanism: loss of function. Inheritance: Various modes of inheritance.

Submission:

Labcorp Genetics (formerly Invitae), Labcorp
Classification: Uncertain significance for Long QT syndrome. Last evaluated: 2021-12-18. Review status: criteria provided, single submitter. Criteria: Invitae Variant Classification Sherloc (09022015). Collection method: clinical testing. Allele origin: germline.
Comment: In summary, the available evidence is currently insufficient to determine the role of this variant in disease. Therefore, it has been classified as a Variant of Uncertain Significance. Algorithms developed to predict the effect of sequence changes on RNA splicing suggest that this variant may create or strengthen a splice site. Algorithms developed to predict the effect of missense changes on protein structure and function (SIFT, PolyPhen-2, Align-GVGD) all suggest that this variant is likely to be disruptive. This missense change has been observed in individual(s) with clinical features of KCNH2-related conditions (PMID: 27041096). This variant is not present in population databases (gnomAD no frequency). This sequence change replaces aspartic acid, which is acidic and polar, with tyrosine, which is neutral and polar, at codon 411 of the KCNH2 protein (p.Asp411Tyr).

Literature cited by the submitters: PubMed 27041096.